The following is an entry in ClinVar:

ClinVar aggregate classification (germline): Uncertain significance. Review status: criteria provided, multiple submitters, no conflicts (2 of 4 stars). 2 submissions from 2 submitters: Uncertain significance (2). Last evaluated 2025-07-14.

Conditions:
Hypertrophic cardiomyopathy 19. Also called: Familial hypertrophic cardiomyopathy 19. Identifiers: MedGen CN077603, MONDO:0013476.

Allele frequency attached by ClinVar (database versions not stated): gnomAD exomes 0.00001; TOPMed 0.00001; ExAC 0.00001; gnomAD 0.00001.
gnomAD v4.1: 10 of 1,613,736 alleles (0.00062%); highest among the groups gnomAD compares: East Asian, 0.0067%; no homozygotes.

Submissions (2):

Labcorp Genetics (formerly Invitae), Labcorp
Classification: Uncertain significance for Hypertrophic cardiomyopathy 19. Last evaluated: 2025-07-14. Review status: criteria provided, single submitter. Criteria: Invitae Variant Classification Sherloc (09022015). Collection method: clinical testing. Allele origin: germline.
Comment: This sequence change replaces glycine, which is neutral and non-polar, with serine, which is neutral and polar, at codon 194 of the CALR3 protein (p.Gly194Ser). This variant is present in population databases (rs764707663, gnomAD 0.006%). This variant has not been reported in the literature in individuals affected with CALR3-related conditions. ClinVar contains an entry for this variant (Variation ID: 2209398). Invitae Evidence Modeling of protein sequence and biophysical properties (such as structural, functional, and spatial information, amino acid conservation, physicochemical variation, residue mobility, and thermodynamic stability) has been performed for this missense variant. However, the output from this modeling did not meet the statistical confidence thresholds required to predict the impact of this variant on CALR3 protein function. In summary, the available evidence is currently insufficient to determine the role of this variant in disease. Therefore, it has been classified as a Variant of Uncertain Significance.

Ambry Genetics
Classification: Uncertain significance. Last evaluated: 2022-06-27. Review status: criteria provided, single submitter. Criteria: Ambry Variant Classification Scheme 2023. Collection method: clinical testing. Allele origin: germline.

NM_145046.5(CALR3):c.580G>A (p.Gly194Ser)

Gene: CALR3 (calreticulin 3; minus strand). Cytogenetic location: 19p13.11.
Variant type: single nucleotide variant.
Coding change: c.580G>A on transcript NM_145046.5 (MANE Select); coding-DNA position 580, G replaced by A.
Protein change: p.Gly194Ser; replaces glycine 194 with serine.
Molecular consequence: missense variant.
Genome position (GRCh38, 1-based): chr19:16,484,028, C>T on the plus strand (G>A on the coding strand, the complement: CALR3 is on the minus strand). VCF-style: chr19-16484028-C-T. GRCh37 (hg19) VCF-style: chr19-16594839-C-T.
Other names: short protein forms G194S.
Identifiers: ClinVar variation 2209398 (VCV002209398.4), dbSNP rs764707663, ClinGen allele CA9278346.
Genomic context (GRCh38, chr19:16,484,028, plus strand): 5'-ATTCTGCCGGGGACGTTTCCTTCTTGAGTGATGTTAAGTTCCAGTCGTACTCTATGCTGC[C>T]GGATTCAATTGACTGACCATCAATTTTCACATCATAAGAAAGATCTGGTCTTAAAATTAG-3'
Protein context (NP_659483.2, residues 184-204): VKIDGQSIES[Gly194Ser]SIEYDWNLTS